The following is an entry in ClinVar:

NM_000719.7(CACNA1C):c.3262C>A (p.Pro1088Thr)

Gene: CACNA1C (calcium voltage-gated channel subunit alpha1 C; plus strand). Cytogenetic location: 12p13.33.
Variant type: single nucleotide variant.
Coding change: c.3262C>A on transcript NM_000719.7 (MANE Select); coding-DNA position 3262, C replaced by A.
Protein change: p.Pro1088Thr; replaces proline 1088 with threonine.
Molecular consequence: missense variant.
Genome position (GRCh38, 1-based): chr12:2,607,036, C>A. VCF-style: chr12-2607036-C-A. GRCh37 (hg19) VCF-style: chr12-2716202-C-A.
Other names: c.3322C>A, p.Pro1108Thr (NM_001129827.2, NM_001129832.2, NM_199460.4); c.3262C>A, p.Pro1088Thr (NM_001129829.2, NM_001129830.3, NM_001129831.2 and 15 more transcripts); c.3253C>A, p.Pro1085Thr (NM_001129844.2); short protein forms P1088T, P1085T, P1108T.
Identifiers: ClinVar variation 2716945 (VCV002716945.3), dbSNP rs1384280348, ClinGen allele CA383374804.

ClinVar aggregate classification (germline): Uncertain significance (1 of 4 stars; one submission).

Conditions:
Long QT syndrome (LQTS). Identifiers: MedGen C0023976, MeSH D008133, MONDO:0002442. Disease mechanism: loss of function. Inheritance: Various modes of inheritance.

Submission:

Labcorp Genetics (formerly Invitae), Labcorp
Classification: Uncertain significance for Long QT syndrome. Last evaluated: 2024-02-22. Review status: criteria provided, single submitter. Criteria: Invitae Variant Classification Sherloc (09022015). Collection method: clinical testing. Allele origin: germline.
Comment: This sequence change replaces proline, which is neutral and non-polar, with threonine, which is neutral and polar, at codon 1088 of the CACNA1C protein (p.Pro1088Thr). This variant is not present in population databases (gnomAD no frequency). This variant has not been reported in the literature in individuals affected with CACNA1C-related conditions. Advanced modeling of protein sequence and biophysical properties (such as structural, functional, and spatial information, amino acid conservation, physicochemical variation, residue mobility, and thermodynamic stability) has been performed at Invitae for this missense variant, however the output from this modeling did not meet the statistical confidence thresholds required to predict the impact of this variant on CACNA1C protein function. In summary, the available evidence is currently insufficient to determine the role of this variant in disease. Therefore, it has been classified as a Variant of Uncertain Significance.